The following is an entry in ClinVar:

NM_177438.3(DICER1):c.1442G>T (p.Gly481Val)

Gene: DICER1 (dicer 1, ribonuclease III; minus strand). Cytogenetic location: 14q32.13.
Variant type: single nucleotide variant.
Coding change: c.1442G>T on transcript NM_177438.3 (MANE Select); coding-DNA position 1442, G replaced by T.
Protein change: p.Gly481Val; replaces glycine 481 with valine.
Molecular consequence: missense variant.
Genome position (GRCh38, 1-based): chr14:95,117,689, C>A on the plus strand (G>T on the coding strand, the complement: DICER1 is on the minus strand). VCF-style: chr14-95117689-C-A. GRCh37 (hg19) VCF-style: chr14-95584026-C-A.
Other names: c.1442G>T, p.Gly481Val (NM_001195573.1, NM_001271282.3, NM_001291628.2 and 1 more transcripts); short protein forms G481V.
Identifiers: ClinVar variation 819229 (VCV000819229.15), dbSNP rs1307281391, ClinGen allele CA390885558.

ClinVar aggregate classification (germline): Uncertain significance. Review status: criteria provided, multiple submitters, no conflicts (2 of 4 stars). 2 submissions from 2 submitters: Uncertain significance (2). Last evaluated 2024-10-26.

Conditions:
Hereditary cancer-predisposing syndrome. Also called: Hereditary Cancer Syndrome; Neoplastic Syndromes, Hereditary; Hereditary neoplastic syndrome; Tumor predisposition. Identifiers: Orphanet 140162, MedGen C0027672, MeSH D009386, MONDO:0015356.
DICER1-related tumor predisposition. Also called: DICER1-related pleuropulmonary blastoma cancer predisposition syndrome; DICER1 syndrome. Identifiers: Orphanet 284343, MedGen C3839822, MONDO:0100216.

Allele frequency attached by ClinVar (database versions not stated): gnomAD exomes below 0.00001; TOPMed below 0.00001; gnomAD 0.00001.
gnomAD v4.1: 3 of 1,613,848 alleles (0.00019%); highest among the groups gnomAD compares: African/African-American, 0.004%; no homozygotes.

Submissions (2):

Labcorp Genetics (formerly Invitae), Labcorp
Classification: Uncertain significance for DICER1-related tumor predisposition. Last evaluated: 2024-10-26. Review status: criteria provided, single submitter. Criteria: Invitae Variant Classification Sherloc (09022015). Collection method: clinical testing. Allele origin: germline.
Comment: This sequence change replaces glycine, which is neutral and non-polar, with valine, which is neutral and non-polar, at codon 481 of the DICER1 protein (p.Gly481Val). This variant is not present in population databases (gnomAD no frequency). This variant has not been reported in the literature in individuals affected with DICER1-related conditions. ClinVar contains an entry for this variant (Variation ID: 819229). Invitae Evidence Modeling of protein sequence and biophysical properties (such as structural, functional, and spatial information, amino acid conservation, physicochemical variation, residue mobility, and thermodynamic stability) indicates that this missense variant is not expected to disrupt DICER1 protein function with a negative predictive value of 95%. In summary, the available evidence is currently insufficient to determine the role of this variant in disease. Therefore, it has been classified as a Variant of Uncertain Significance.

Ambry Genetics
Classification: Uncertain significance for Hereditary cancer-predisposing syndrome. Last evaluated: 2023-04-21. Review status: criteria provided, single submitter. Criteria: Ambry Variant Classification Scheme 2023. Collection method: clinical testing. Allele origin: germline.
Comment: The p.G481V variant (also known as c.1442G>T), located in coding exon 8 of the DICER1 gene, results from a G to T substitution at nucleotide position 1442. The glycine at codon 481 is replaced by valine, an amino acid with dissimilar properties. This amino acid position is highly conserved in available vertebrate species. In addition, this alteration is predicted to be deleterious by in silico analysis. Since supporting evidence is limited at this time, the clinical significance of this alteration remains unclear.